The following is an entry in ClinVar:

NM_177438.3(DICER1):c.4999G>T (p.Glu1667Ter)

Gene: DICER1 (dicer 1, ribonuclease III; minus strand). Cytogenetic location: 14q32.13.
Variant type: single nucleotide variant.
Coding change: c.4999G>T on transcript NM_177438.3 (MANE Select); coding-DNA position 4999, G replaced by T.
Protein change: p.Glu1667Ter; replaces glutamic acid 1667 with a stop codon.
Molecular consequence: nonsense.
Genome position (GRCh38, 1-based): chr14:95,095,921, C>A on the plus strand (G>T on the coding strand, the complement: DICER1 is on the minus strand). VCF-style: chr14-95095921-C-A. GRCh37 (hg19) VCF-style: chr14-95562258-C-A.
Other names: c.4999G>T, p.Glu1667Ter (NM_001195573.1, NM_001271282.3, NM_001291628.2 and 1 more transcripts); short protein forms E1667*.
Identifiers: ClinVar variation 543602 (VCV000543602.10), dbSNP rs1555367522, ClinGen allele CA390866134.
Genomic context (GRCh38, chr14:95,095,921, plus strand): 5'-AAGCCTGGAGAAGGTAAGCCTTATTCTTGAATCTGTAGTTGATTTTCTTTTCAAAATTTT[C>A]AAACCCCGATATAAGGTGATTCAGTGTTTTATCTGCATCTGGATGATCAAACATACATCT-3'

ClinVar aggregate classification (germline): Pathogenic. Review status: criteria provided, multiple submitters, no conflicts (2 of 4 stars). 2 submissions from 2 submitters: Pathogenic (2). Last evaluated 2023-03-22.

Conditions:
DICER1-related tumor predisposition. Also called: DICER1-related pleuropulmonary blastoma cancer predisposition syndrome; DICER1 syndrome. Identifiers: Orphanet 284343, MedGen C3839822, MONDO:0100216.

Submissions (2):

Labcorp Genetics (formerly Invitae), Labcorp
Classification: Pathogenic for DICER1-related tumor predisposition. Last evaluated: 2023-03-22. Review status: criteria provided, single submitter. Criteria: Invitae Variant Classification Sherloc (09022015). Collection method: clinical testing. Allele origin: germline.
Comment: ClinVar contains an entry for this variant (Variation ID: 543602). For these reasons, this variant has been classified as Pathogenic. This premature translational stop signal has been observed in individual(s) with clinical features of DICER1-related conditions (PMID: 32291395). This sequence change creates a premature translational stop signal (p.Glu1667*) in the DICER1 gene. It is expected to result in an absent or disrupted protein product. Loss-of-function variants in DICER1 are known to be pathogenic (PMID: 19556464, 21266384). This variant is not present in population databases (gnomAD no frequency).

Foulkes Cancer Genetics LDI, Lady Davis Institute for Medical Research
Classification: Pathogenic for Pleuropulmonary blastoma. Last evaluated: 2019-07-01. Review status: criteria provided, single submitter. Criteria: ACMG Guidelines, 2015. Collection method: curation. Allele origin: unknown. Affected: yes. Observed: 1 variant allele.
Comment: ACMG criteria met: PVS1, PM2, PP3, PP5

Literature cited by the submitters: PubMed 32291395 (cited by Labcorp Genetics (formerly Invitae), Labcorp); PubMed 19556464 (cited by Labcorp Genetics (formerly Invitae), Labcorp); PubMed 21266384 (cited by Labcorp Genetics (formerly Invitae), Labcorp); PubMed 29881993 (cited by Foulkes Cancer Genetics LDI, Lady Davis Institute for Medical Research).